The following is an entry in ClinVar:

ClinVar aggregate classification (germline): Uncertain significance. Review status: criteria provided, multiple submitters, no conflicts (2 of 4 stars). 2 submissions from 2 submitters: Uncertain significance (2). Last evaluated 2025-09-03.

Conditions:
Long QT syndrome (LQTS). Identifiers: MedGen C0023976, MeSH D008133, MONDO:0002442. Disease mechanism: loss of function. Inheritance: Various modes of inheritance.
Cardiac arrhythmia, ankyrin-B-related. Also called: ANKYRIN-B SYNDROME. Identifiers: Orphanet 101016, Orphanet 768, MedGen C1970119, MONDO:0010958, OMIM 600919.

Submissions (2):

Labcorp Genetics (formerly Invitae), Labcorp
Classification: Uncertain significance for Long QT syndrome. Last evaluated: 2025-09-03. Review status: criteria provided, single submitter. Criteria: Invitae Variant Classification Sherloc (09022015). Collection method: clinical testing. Allele origin: germline.
Comment: This variant, c.7863_7865del, results in the deletion of 1 amino acid(s) of the ANK2 protein (p.Ser2624del), but otherwise preserves the integrity of the reading frame. This variant is present in population databases (rs772341643, gnomAD 0.0009%). This variant has not been reported in the literature in individuals affected with ANK2-related conditions. ClinVar contains an entry for this variant (Variation ID: 949289). Experimental studies and prediction algorithms are not available or were not evaluated, and the functional significance of this variant is currently unknown. In summary, the available evidence is currently insufficient to determine the role of this variant in disease. Therefore, it has been classified as a Variant of Uncertain Significance.

Fulgent Genetics
Classification: Uncertain significance for Cardiac arrhythmia, ankyrin-B-related. Last evaluated: 2021-10-12. Review status: criteria provided, single submitter. Criteria: ACMG Guidelines, 2015. Collection method: clinical testing. Allele origin: unknown.

NM_001148.6(ANK2):c.7860TTC[1] (p.Ser2624del)

Genes: ANK2 (ankyrin 2; plus strand), LOC126807137 (CDK7 strongly-dependent group 2 enhancer GRCh37_chr4:114276560-114277759; plus strand). Cytogenetic location: 4q26.
Variant type: Microsatellite.
Coding change: c.7860TTC[1] on transcript NM_001148.6 (MANE Select); one copy of the 3-base unit TTC starting at c.7860; the reference has two copies in a row; one copy, 3 bases deleted; also written c.7863_7865del.
Protein change: p.Ser2624del; deletes serine 2624.
Molecular consequence: inframe deletion. On other transcripts: intron variant (68).
Genome position (GRCh38, 1-based): chr4:113,356,481-113,356,483, TTC deleted; deleting any 3 consecutive bases within chr4:113,356,476-113,356,483 gives the same sequence; the position shown is the placement nearest the transcript's 3' end. VCF-style (leftmost placement, unchanged base first): chr4-113356475-ATCT-A. GRCh37 (hg19) VCF-style: chr4-114277631-ATCT-A.
Other names: c.7863_7865del (NM_001148.6); c.7626TTC[1], p.Ser2546del (NM_001386142.1); c.4260TTC[1], p.Ser1424del (NM_001386166.1); c.8001TTC[1], p.Ser2671del (NM_001386174.1); c.7977TTC[1], p.Ser2663del (NM_001386175.1); c.4412-4342_4412-4340del (NM_001386186.2, NM_001386148.2); c.4214-4342_4214-4340del (NM_001354269.3); c.4292-4342_4292-4340del (NM_001386187.2); and 36 more; short protein forms S2624del, S1424del, S2546del, S2663del, S2671del.
Identifiers: ClinVar variation 949289 (VCV000949289.8), dbSNP rs772341643, ClinGen allele CA3051661.